The following is an entry in ClinVar:

NM_001005361.3(DNM2):c.*22C>T

Gene: DNM2 (dynamin 2; plus strand). Cytogenetic location: 19p13.2.
Variant type: single nucleotide variant.
Coding change: c.*22C>T on transcript NM_001005361.3 (MANE Select); 22 bases downstream of the stop codon, C replaced by T.
Molecular consequence: 3 prime UTR variant.
Genome position (GRCh38, 1-based): chr19:10,831,069, C>T. VCF-style: chr19-10831069-C-T. GRCh37 (hg19) VCF-style: chr19-10941745-C-T.
Other names: c.*22C>T (NM_001005360.3, NM_001005362.3, NM_001190716.2 and 1 more transcripts).
Identifiers: ClinVar variation 327997 (VCV000327997.5), dbSNP rs531170486, ClinGen allele CA9201690.

ClinVar aggregate classification (germline): Benign. Review status: criteria provided, single submitter (1 of 4 stars). 2 submissions from 1 submitter: Benign (2). Last evaluated 2018-01-12.

Conditions:
Autosomal dominant centronuclear myopathy. Also called: MYOTUBULAR MYOPATHY, AUTOSOMAL DOMINANT; Myopathy, centronuclear, 3. Identifiers: Orphanet 169189, MedGen C4551952, MeSH D020914, MONDO:0008048, OMIM 160150.
Charcot-Marie-Tooth disease dominant intermediate B (CMTDIB). Also called: CHARCOT-MARIE-TOOTH NEUROPATHY, DOMINANT INTERMEDIATE B; Charcot-Marie-Tooth disease dominant intermediate 1; CMT DI1; Charcot-Marie-Tooth disease dominant intermediate I. Identifiers: Orphanet 100044, Orphanet 228179, MedGen C1847902, MONDO:0011674, OMIM 606482.

Allele frequency attached by ClinVar (database versions not stated): gnomAD below 0.00001 and 0.00006; TOPMed below 0.00001; gnomAD exomes 0.00016 and 0.00035; 1000 Genomes Project 0.00020; ExAC 0.00074.
gnomAD v4.1: 234 of 1,585,222 alleles (0.015%); highest among the groups gnomAD compares: South Asian, 0.25%; 2 homozygotes.

Submissions (2):

Illumina Laboratory Services, Illumina
Classification: Benign for Charcot-Marie-Tooth disease dominant intermediate B. Last evaluated: 2018-01-12. Review status: criteria provided, single submitter. Criteria: ICSL Variant Classification Criteria 13 December 2019. Collection method: clinical testing. Allele origin: germline.
Comment: This variant was observed in the ICSL laboratory as part of a predisposition screen in an ostensibly healthy population. It had not been previously curated by ICSL or reported in the Human Gene Mutation Database (HGMD: prior to June 1st, 2018), and was therefore a candidate for classification through an automated scoring system. Utilizing variant allele frequency, disease prevalence and penetrance estimates, and inheritance mode, an automated score was calculated to assess if this variant is too frequent to cause the disease. Based on the score and internal cut-off values, a variant classified as benign is not then subjected to further curation. The score for this variant resulted in a classification of benign for this disease.

Illumina Laboratory Services, Illumina
Classification: Benign for Autosomal dominant centronuclear myopathy. Last evaluated: 2018-01-12. Review status: criteria provided, single submitter. Criteria: ICSL Variant Classification Criteria 13 December 2019. Collection method: clinical testing. Allele origin: germline.
Comment: the same text as in the submission from Illumina Laboratory Services, Illumina above.